The following is an entry in ClinVar:

ClinVar aggregate classification (germline): Likely benign (1 of 4 stars; one submission).

Allele frequency attached by ClinVar (database versions not stated): gnomAD exomes below 0.00001 and 0.00001; gnomAD 0.00001; TOPMed 0.00001.
gnomAD v4.1: 3 of 456,170 alleles (0.00066%); highest among the groups gnomAD compares: African/African-American, 0.006%; no homozygotes.

Submission:

GeneDx
Classification: Likely benign. Last evaluated: 2018-01-05. Review status: criteria provided, single submitter. Criteria: GeneDx Variant Classification (06012015). Collection method: clinical testing. Allele origin: germline. Affected: yes.
Comment: This variant is considered likely benign or benign based on one or more of the following criteria: it is a conservative change, it occurs at a poorly conserved position in the protein, it is predicted to be benign by multiple in silico algorithms, and/or has population frequency not consistent with disease.

NM_001276345.2(TNNT2):c.-15+17G>A

Gene: TNNT2 (troponin T2, cardiac type; minus strand). Cytogenetic location: 1q32.1.
Variant type: single nucleotide variant.
Coding change: c.-15+17G>A on transcript NM_001276345.2 (MANE Select); 17 bases into the intron after 15 bases upstream of the start codon, G replaced by A.
Molecular consequence: intron variant.
Genome position (GRCh38, 1-based): chr1:201,377,606, C>T on the plus strand (G>A on the coding strand, the complement: TNNT2 is on the minus strand). VCF-style: chr1-201377606-C-T. GRCh37 (hg19) VCF-style: chr1-201346734-C-T.
Other names: c.-15+17G>A (NM_001001432.3, NM_001001431.3, NM_001001430.3 and 2 more transcripts); c.-148+17G>A (NM_001276347.2).
Identifiers: ClinVar variation 514135 (VCV000514135.1), dbSNP rs924166432, ClinGen allele CA35437921.